The following is an entry in ClinVar:

NM_002755.4(MAP2K1):c.319A>G (p.Ile107Val)

Gene: MAP2K1 (mitogen-activated protein kinase kinase 1; plus strand). Cytogenetic location: 15q22.31.
Variant type: single nucleotide variant.
Coding change: c.319A>G on transcript NM_002755.4 (MANE Select); coding-DNA position 319, A replaced by G.
Protein change: p.Ile107Val; replaces isoleucine 107 with valine.
Molecular consequence: missense variant.
Genome position (GRCh38, 1-based): chr15:66,436,773, A>G. VCF-style: chr15-66436773-A-G. GRCh37 (hg19) VCF-style: chr15-66729111-A-G.
Other names: c.319A>G (NM_002755.3); short protein forms I107V.
Identifiers: ClinVar variation 1366968 (VCV001366968.7), dbSNP rs1567009717, ClinGen allele CA392930380.

ClinVar aggregate classification (germline): Uncertain significance. Review status: criteria provided, multiple submitters, no conflicts (2 of 4 stars). 2 submissions from 2 submitters: Uncertain significance (2). Last evaluated 2024-08-07.

Conditions:
Cardiovascular phenotype. Identifiers: MedGen CN230736.
RASopathy. Also called: Noonan spectrum disorder; rasopathies. Identifiers: Orphanet 536391, MedGen C5555857, MONDO:0021060.

Allele frequency attached by ClinVar (database versions not stated): gnomAD exomes below 0.00001.
gnomAD v4.1: 5 of 1,614,078 alleles (0.00031%); highest among the groups gnomAD compares: Non-Finnish European, 0.00034%; no homozygotes.

Submissions (2):

Ambry Genetics
Classification: Uncertain significance for Cardiovascular phenotype. Last evaluated: 2024-08-07. Review status: criteria provided, single submitter. Criteria: Ambry Variant Classification Scheme 2023. Collection method: clinical testing. Allele origin: germline.
Comment: The p.I107V variant (also known as c.319A>G), located in coding exon 3 of the MAP2K1 gene, results from an A to G substitution at nucleotide position 319. The isoleucine at codon 107 is replaced by valine, an amino acid with highly similar properties. This amino acid position is conserved. In addition, the in silico prediction for this alteration is inconclusive. Based on the available evidence, the clinical significance of this variant remains unclear.

Labcorp Genetics (formerly Invitae), Labcorp
Classification: Uncertain significance for RASopathy. Last evaluated: 2021-10-06. Review status: criteria provided, single submitter. Criteria: Invitae Variant Classification Sherloc (09022015). Collection method: clinical testing. Allele origin: germline.
Comment: Advanced modeling of protein sequence and biophysical properties (such as structural, functional, and spatial information, amino acid conservation, physicochemical variation, residue mobility, and thermodynamic stability) performed at Invitae indicates that this missense variant is not expected to disrupt MAP2K1 protein function. In summary, the available evidence is currently insufficient to determine the role of this variant in disease. Therefore, it has been classified as a Variant of Uncertain Significance. Algorithms developed to predict the effect of sequence changes on RNA splicing suggest that this variant may create or strengthen a splice site. This variant has not been reported in the literature in individuals affected with MAP2K1-related conditions. This variant is not present in population databases (ExAC no frequency). This sequence change replaces isoleucine with valine at codon 107 of the MAP2K1 protein (p.Ile107Val). The isoleucine residue is highly conserved and there is a small physicochemical difference between isoleucine and valine.